The following is an entry in ClinVar:

NM_002225.5(IVD):c.149G>T (p.Arg50Leu)

Gene: IVD (isovaleryl-CoA dehydrogenase; plus strand). Cytogenetic location: 15q15.1.
Variant type: single nucleotide variant.
Coding change: c.149G>T on transcript NM_002225.5 (MANE Select); coding-DNA position 149, G replaced by T.
Protein change: p.Arg50Leu; replaces arginine 50 with leucine.
Molecular consequence: missense variant. On other transcripts: non-coding transcript variant (1), intron variant (1).
Genome position (GRCh38, 1-based): chr15:40,407,640, G>T. VCF-style: chr15-40407640-G-T. GRCh37 (hg19) VCF-style: chr15-40699841-G-T.
Other names: c.101G>T, p.Arg34Leu (NM_001354597.3); c.149G>T, p.Arg50Leu (NM_001354598.3, NM_001354599.3, NM_001354600.3 and 1 more transcripts); c.145-299G>T (NM_001159508.3); short protein forms R34L, R50L.
Identifiers: ClinVar variation 2440925 (VCV002440925.6), dbSNP rs2229311, ClinGen allele CA391744644.

ClinVar aggregate classification (germline): Likely pathogenic. Review status: criteria provided, multiple submitters, no conflicts (2 of 4 stars). 2 submissions from 2 submitters: Likely pathogenic (2). Last evaluated 2024-08-23.

Conditions:
Isovaleryl-CoA dehydrogenase deficiency (IVA). Also called: ISOVALERIC ACID CoA DEHYDROGENASE DEFICIENCY; Isovaleric acidemia; IVD DEFICIENCY; Classic Isovaleric Acidemia. Identifiers: Orphanet 33, MedGen C0268575, MONDO:0009475, OMIM 243500.

gnomAD v4.1: 2 of 1,613,942 alleles (0.00012%); highest among the groups gnomAD compares: East Asian, 0.0022%; no homozygotes.

Submissions (2):

Labcorp Genetics (formerly Invitae), Labcorp
Classification: Likely pathogenic for Isovaleryl-CoA dehydrogenase deficiency. Last evaluated: 2024-08-23. Review status: criteria provided, single submitter. Criteria: Invitae Variant Classification Sherloc (09022015). Collection method: clinical testing. Allele origin: germline.
Comment: This sequence change replaces arginine, which is basic and polar, with leucine, which is neutral and non-polar, at codon 53 of the IVD protein (p.Arg53Leu). This variant is present in population databases (no rsID available, gnomAD 0.006%). This missense change has been observed in individual(s) with isovaleric acidemia (PMID: 17576084; internal data). In at least one individual the data is consistent with being in trans (on the opposite chromosome) from a pathogenic variant. This variant is also known as p.Arg21Leu. ClinVar contains an entry for this variant (Variation ID: 2440925). An algorithm developed to predict the effect of missense changes on protein structure and function (PolyPhen-2) suggests that this variant is likely to be disruptive. This variant disrupts the p.Arg53 amino acid residue in IVD. Other variant(s) that disrupt this residue have been determined to be pathogenic (PMID: 10677295, 15486829, 17027310, 19099814, 27904153, 31442447; internal data). This suggests that this residue is clinically significant, and that variants that disrupt this residue are likely to be disease-causing. In summary, the currently available evidence indicates that the variant is pathogenic, but additional data are needed to prove that conclusively. Therefore, this variant has been classified as Likely Pathogenic.

Revvity Omics, Revvity
Classification: Likely pathogenic for Isovaleryl-CoA dehydrogenase deficiency. Last evaluated: 2022-07-26. Review status: criteria provided, single submitter. Criteria: ACMG Guidelines, 2015. Collection method: clinical testing. Allele origin: germline.

Literature cited by the submitters: PubMed 17576084 (cited by Labcorp Genetics (formerly Invitae), Labcorp); PubMed 10677295 (cited by Labcorp Genetics (formerly Invitae), Labcorp); PubMed 15486829 (cited by Labcorp Genetics (formerly Invitae), Labcorp); PubMed 17027310 (cited by Labcorp Genetics (formerly Invitae), Labcorp); PubMed 19099814 (cited by Labcorp Genetics (formerly Invitae), Labcorp); PubMed 27904153 (cited by Labcorp Genetics (formerly Invitae), Labcorp); PubMed 31442447 (cited by Labcorp Genetics (formerly Invitae), Labcorp).